The following is an entry in ClinVar:

NM_002156.5(HSPD1):c.1391-12A>G

Gene: HSPD1 (heat shock protein family D (Hsp60) member 1; minus strand). Cytogenetic location: 2q33.1.
Variant type: single nucleotide variant.
Coding change: c.1391-12A>G on transcript NM_002156.5 (MANE Select); 12 bases into the intron before coding-DNA position 1391, A replaced by G.
Molecular consequence: intron variant.
Genome position (GRCh38, 1-based): chr2:197,488,048, T>C on the plus strand (A>G on the coding strand, the complement: HSPD1 is on the minus strand). VCF-style: chr2-197488048-T-C. GRCh37 (hg19) VCF-style: chr2-198352772-T-C.
Other names: c.1391-12A>G (NM_199440.2).
Identifiers: ClinVar variation 2002265 (VCV002002265.4), dbSNP rs2470106301, ClinGen allele CA2580065400.

ClinVar aggregate classification (germline): Uncertain significance (1 of 4 stars; one submission).

Conditions:
Spastic paraplegia. Identifiers: MedGen C0037772, HP:0001258.

Submission:

Labcorp Genetics (formerly Invitae), Labcorp
Classification: Uncertain significance for Spastic paraplegia. Last evaluated: 2022-06-10. Review status: criteria provided, single submitter. Criteria: Invitae Variant Classification Sherloc (09022015). Collection method: clinical testing. Allele origin: germline.
Comment: This sequence change falls in intron 10 of the HSPD1 gene. It does not directly change the encoded amino acid sequence of the HSPD1 protein. This variant is not present in population databases (gnomAD no frequency). This variant has not been reported in the literature in individuals affected with HSPD1-related conditions. Algorithms developed to predict the effect of sequence changes on RNA splicing suggest that this variant may disrupt the consensus splice site. In summary, the available evidence is currently insufficient to determine the role of this variant in disease. Therefore, it has been classified as a Variant of Uncertain Significance.